The following is an entry in ClinVar:

ClinVar aggregate classification (germline): Uncertain significance. Review status: criteria provided, multiple submitters, no conflicts (2 of 4 stars). 3 submissions from 3 submitters: Uncertain significance (3). Last evaluated 2026-03-17.

Conditions:
Hereditary cancer-predisposing syndrome. Also called: Neoplastic Syndromes, Hereditary; Tumor predisposition; Hereditary Cancer Syndrome; Hereditary neoplastic syndrome. Identifiers: Orphanet 140162, MedGen C0027672, MeSH D009386, MONDO:0015356.
Hereditary breast ovarian cancer syndrome. Also called: Hereditary breast and ovarian cancer syndrome (HBOC); Breast and ovarian cancer; Hereditary breast and/or ovarian cancer syndrome; BRCA1- and BRCA2-Associated Hereditary Breast and Ovarian Cancer; Hereditary breast and ovarian cancer syndrome; Hereditary breast and ovarian cancer. Identifiers: Orphanet 145, MedGen C0677776, MeSH D061325, MONDO:0003582. Disease mechanism: loss of function.

Submissions (3):

GeneDx
Classification: Uncertain significance. Last evaluated: 2026-03-17. Review status: criteria provided, single submitter. Criteria: GeneDx Variant Classification Process June 2021. Collection method: clinical testing. Allele origin: germline.
Comment: Not observed at significant frequency in large population cohorts (gnomAD); In silico analysis supports that this missense variant has a deleterious effect on protein structure/function; Has not been previously published as pathogenic or benign to our knowledge; Also known as 3854C>G

Labcorp Genetics (formerly Invitae), Labcorp
Classification: Uncertain significance for Hereditary breast ovarian cancer syndrome. Last evaluated: 2025-02-19. Review status: criteria provided, single submitter. Criteria: Invitae Variant Classification Sherloc (09022015). Collection method: clinical testing. Allele origin: germline.
Comment: This sequence change replaces threonine, which is neutral and polar, with arginine, which is basic and polar, at codon 1209 of the BRCA2 protein (p.Thr1209Arg). This variant is not present in population databases (gnomAD no frequency). This variant has not been reported in the literature in individuals affected with BRCA2-related conditions. ClinVar contains an entry for this variant (Variation ID: 3226320). Invitae Evidence Modeling of protein sequence and biophysical properties (such as structural, functional, and spatial information, amino acid conservation, physicochemical variation, residue mobility, and thermodynamic stability) indicates that this missense variant is not expected to disrupt BRCA2 protein function with a negative predictive value of 95%. In summary, the available evidence is currently insufficient to determine the role of this variant in disease. Therefore, it has been classified as a Variant of Uncertain Significance.

Ambry Genetics
Classification: Uncertain significance for Hereditary cancer-predisposing syndrome. Last evaluated: 2023-11-02. Review status: criteria provided, single submitter. Criteria: Ambry Variant Classification Scheme 2023. Collection method: clinical testing. Allele origin: germline.
Comment: The p.T1209R variant (also known as c.3626C>G), located in coding exon 10 of the BRCA2 gene, results from a C to G substitution at nucleotide position 3626. The threonine at codon 1209 is replaced by arginine, an amino acid with similar properties. This amino acid position is not well conserved in available vertebrate species. In addition, this alteration is predicted to be tolerated by in silico analysis. Since supporting evidence is limited at this time, the clinical significance of this alteration remains unclear.

NM_000059.4(BRCA2):c.3626C>G (p.Thr1209Arg)

Gene: BRCA2 (BRCA2 DNA repair associated; plus strand). Cytogenetic location: 13q13.1.
Variant type: single nucleotide variant.
Coding change: c.3626C>G on transcript NM_000059.4 (MANE Select); coding-DNA position 3626, C replaced by G.
Protein change: p.Thr1209Arg; replaces threonine 1209 with arginine.
Molecular consequence: missense variant. On other transcripts: non-coding transcript variant (1), intron variant (2).
Genome position (GRCh38, 1-based): chr13:32,337,981, C>G. VCF-style: chr13-32337981-C-G. GRCh37 (hg19) VCF-style: chr13-32912118-C-G.
Other names: c.3626C>G, p.Thr1209Arg (NM_001406719.1, NM_001406720.1); c.1909+4594C>G (NM_001406721.1); c.425-6577C>G (NM_001406722.1); short protein forms T1209R.
Identifiers: ClinVar variation 3226320 (VCV003226320.3), dbSNP rs2137498419, ClinGen allele CA387777596.